The following is an entry in ClinVar:

ClinVar aggregate classification (germline): Uncertain significance (1 of 4 stars; one submission).

Conditions:
LRRC45-related disorder. Also called: LRRC45-related condition.

Submission:

PreventionGenetics, part of Exact Sciences
Classification: Uncertain significance for LRRC45-related condition. Last evaluated: 2026-09-10. Review status: criteria provided, single submitter. Criteria: ACMG Guidelines, 2015. Collection method: clinical testing. Allele origin: germline.
Comment: The LRRC45 c.313G>A variant is predicted to result in the amino acid substitution p.Ala105Thr. To our knowledge, this variant has not been reported in the literature. This variant is reported in 0.011% of alleles in individuals of African descent in gnomAD. At this time, the clinical significance of this variant is uncertain due to the absence of conclusive functional and genetic evidence.

NM_144999.4(LRRC45):c.313G>A (p.Ala105Thr)

Gene: LRRC45 (leucine rich repeat containing 45; plus strand). Cytogenetic location: 17q25.3.
Variant type: single nucleotide variant.
Coding change: c.313G>A on transcript NM_144999.4 (MANE Select); coding-DNA position 313, G replaced by A.
Protein change: p.Ala105Thr; replaces alanine 105 with threonine.
Molecular consequence: missense variant.
Genome position (GRCh38, 1-based): chr17:82,024,723, G>A. VCF-style: chr17-82024723-G-A. GRCh37 (hg19) VCF-style: chr17-79982599-G-A.
Other names: short protein forms A105T.
Identifiers: ClinVar variation 4987255 (VCV004987255.1).